The following is an entry in ClinVar:

NM_002427.4(MMP13):c.1273C>G (p.Pro425Ala)

Gene: MMP13 (matrix metallopeptidase 13; minus strand). Cytogenetic location: 11q22.2.
Variant type: single nucleotide variant.
Coding change: c.1273C>G on transcript NM_002427.4 (MANE Select); coding-DNA position 1273, C replaced by G.
Protein change: p.Pro425Ala; replaces proline 425 with alanine.
Molecular consequence: missense variant.
Genome position (GRCh38, 1-based): chr11:102,945,688, G>C on the plus strand (C>G on the coding strand, the complement: MMP13 is on the minus strand). VCF-style: chr11-102945688-G-C. GRCh37 (hg19) VCF-style: chr11-102816417-G-C.
Other names: short protein forms P425A.
Identifiers: ClinVar variation 2969063 (VCV002969063.3), dbSNP rs1860494694, ClinGen allele CA382226237.

ClinVar aggregate classification (germline): Uncertain significance (1 of 4 stars; one submission).

Submission:

Labcorp Genetics (formerly Invitae), Labcorp
Classification: Uncertain significance. Last evaluated: 2022-12-03. Review status: criteria provided, single submitter. Criteria: Invitae Variant Classification Sherloc (09022015). Collection method: clinical testing. Allele origin: germline.
Comment: In summary, the available evidence is currently insufficient to determine the role of this variant in disease. Therefore, it has been classified as a Variant of Uncertain Significance. Advanced modeling of protein sequence and biophysical properties (such as structural, functional, and spatial information, amino acid conservation, physicochemical variation, residue mobility, and thermodynamic stability) performed at Invitae indicates that this missense variant is not expected to disrupt MMP13 protein function. This variant has not been reported in the literature in individuals affected with MMP13-related conditions. This variant is not present in population databases (gnomAD no frequency). This sequence change replaces proline, which is neutral and non-polar, with alanine, which is neutral and non-polar, at codon 425 of the MMP13 protein (p.Pro425Ala).